The following is an entry in ClinVar:

ClinVar aggregate classification (germline): Uncertain significance (1 of 4 stars; one submission).

Conditions:
Spastic paraplegia. Identifiers: MedGen C0037772, HP:0001258.

Allele frequency attached by ClinVar (database versions not stated): gnomAD 0.00001; gnomAD exomes 0.00001; TOPMed 0.00001.
gnomAD v4.1: 6 of 1,613,726 alleles (0.00037%); highest among the groups gnomAD compares: Admixed American, 0.0033%; no homozygotes.

Submission:

Labcorp Genetics (formerly Invitae), Labcorp
Classification: Uncertain significance for Spastic paraplegia. Last evaluated: 2022-06-10. Review status: criteria provided, single submitter. Criteria: Invitae Variant Classification Sherloc (09022015). Collection method: clinical testing. Allele origin: germline.
Comment: This sequence change replaces valine, which is neutral and non-polar, with isoleucine, which is neutral and non-polar, at codon 439 of the SLC33A1 protein (p.Val439Ile). This variant is present in population databases (no rsID available, gnomAD 0.006%). This variant has not been reported in the literature in individuals affected with SLC33A1-related conditions. Algorithms developed to predict the effect of missense changes on protein structure and function (SIFT, PolyPhen-2, Align-GVGD) all suggest that this variant is likely to be tolerated. In summary, the available evidence is currently insufficient to determine the role of this variant in disease. Therefore, it has been classified as a Variant of Uncertain Significance.

NM_004733.4(SLC33A1):c.1315G>A (p.Val439Ile)

Gene: SLC33A1 (solute carrier family 33 member 1; minus strand). Cytogenetic location: 3q25.31.
Variant type: single nucleotide variant.
Coding change: c.1315G>A on transcript NM_004733.4 (MANE Select); coding-DNA position 1315, G replaced by A.
Protein change: p.Val439Ile; replaces valine 439 with isoleucine.
Molecular consequence: missense variant.
Genome position (GRCh38, 1-based): chr3:155,829,855, C>T on the plus strand (G>A on the coding strand, the complement: SLC33A1 is on the minus strand). VCF-style: chr3-155829855-C-T. GRCh37 (hg19) VCF-style: chr3-155547644-C-T.
Other names: c.1315G>A, p.Val439Ile (NM_001190992.2); c.1009G>A, p.Val337Ile (NM_001363883.1); short protein forms V337I, V439I.
Identifiers: ClinVar variation 2067209 (VCV002067209.1), dbSNP rs1293737668, ClinGen allele CA355140354.